The following is an entry in ClinVar:

ClinVar aggregate classification (germline): Pathogenic/Likely pathogenic. Review status: criteria provided, multiple submitters, no conflicts (2 of 4 stars). 2 submissions from 2 submitters: Pathogenic (1); Likely pathogenic (1). Last evaluated 2025-11-25.

Conditions:
Werner syndrome (WRN). Identifiers: Orphanet 902, MedGen C0043119, MONDO:0010196, OMIM 277700.

Allele frequency attached by ClinVar (database versions not stated): gnomAD exomes below 0.00001.
gnomAD v4.1: 1 of 1,611,366 alleles (0.000062%); highest among the groups gnomAD compares: Non-Finnish European, 0.000085%; no homozygotes.

Submissions (2):

Labcorp Genetics (formerly Invitae), Labcorp
Classification: Likely pathogenic for Werner syndrome. Last evaluated: 2025-11-25. Review status: criteria provided, single submitter. Criteria: Invitae Variant Classification Sherloc (09022015). Collection method: clinical testing. Allele origin: germline.
Comment: This sequence change affects an acceptor splice site in intron 31 of the WRN gene. It is expected to disrupt RNA splicing. Variants that disrupt the donor or acceptor splice site typically lead to a loss of protein function (PMID: 16199547), and loss-of-function variants in WRN are known to be pathogenic (PMID: 16673358). This variant is not present in population databases (gnomAD no frequency). This variant has not been reported in the literature in individuals affected with WRN-related conditions. ClinVar contains an entry for this variant (Variation ID: 1323774). Algorithms developed to predict the effect of sequence changes on RNA splicing suggest that this variant may disrupt the consensus splice site. In summary, the currently available evidence indicates that the variant is pathogenic, but additional data are needed to prove that conclusively. Therefore, this variant has been classified as Likely Pathogenic.

Revvity Omics, Revvity
Classification: Pathogenic for Werner syndrome. Last evaluated: 2019-04-04. Review status: criteria provided, single submitter. Criteria: ACMG Guidelines, 2015. Collection method: clinical testing. Allele origin: germline.

Literature cited by the submitters: PubMed 16199547 (cited by Labcorp Genetics (formerly Invitae), Labcorp); PubMed 16673358 (cited by Labcorp Genetics (formerly Invitae), Labcorp).

NM_000553.6(WRN):c.3688-2A>G

Gene: WRN (WRN RecQ like helicase; plus strand). Cytogenetic location: 8p12.
Variant type: single nucleotide variant.
Coding change: c.3688-2A>G on transcript NM_000553.6 (MANE Select); the canonical splice acceptor site of the intron before coding-DNA position 3688, A replaced by G.
Molecular consequence: splice acceptor variant.
Genome position (GRCh38, 1-based): chr8:31,154,622, A>G. VCF-style: chr8-31154622-A-G. GRCh37 (hg19) VCF-style: chr8-31012138-A-G.
Identifiers: ClinVar variation 1323774 (VCV001323774.9), dbSNP rs2130469632, ClinGen allele CA370928803.